The following is an entry in ClinVar:

ClinVar aggregate classification (germline): Pathogenic (1 of 4 stars; one submission).

Conditions:
Cardiovascular phenotype. Identifiers: MedGen CN230736.

Submission:

Ambry Genetics
Classification: Pathogenic for Cardiovascular phenotype. Last evaluated: 2026-04-06. Review status: criteria provided, single submitter. Criteria: Ambry Variant Classification Scheme 2023. Collection method: clinical testing. Allele origin: germline.
Comment: The c.11794_11795delGAinsT pathogenic mutation located in coding exon 18 of the ALMS1 gene, results from the deletion of two nucleotides and insertion of one nucleotide causing a translational frameshift with a predicted alternate stop codon (p.E3932*). This variant is considered to be rare based on population cohorts in the Genome Aggregation Database (gnomAD). This alteration is expected to result in loss of function by premature protein truncation or nonsense-mediated mRNA decay. As such, this alteration is interpreted as a disease-causing mutation.

NM_001378454.1(ALMS1):c.11791_11792delinsT (p.Glu3930_Glu3931insTer)

Gene: ALMS1 (ALMS1 centrosome and basal body associated protein; plus strand). Cytogenetic location: 2p13.1.
Variant type: Indel.
Coding change: c.11791_11792delinsT on transcript NM_001378454.1 (MANE Select); coding-DNA positions 11791 to 11792, GA replaced by T.
Protein change: p.Glu3930_Glu3931insTer.
Molecular consequence: nonsense.
Genome position (GRCh38, 1-based): chr2:73,600,800-73,600,801, GA replaced by T. VCF-style: chr2-73600800-GA-T. GRCh37 (hg19) VCF-style: chr2-73827927-GA-T.
Other names: c.11794_11795delinsT, p.Glu3931_Glu3932insTer (NM_015120.4); c.11794_11795delGAinsT (NM_015120.4).
Identifiers: ClinVar variation 4870760 (VCV004870760.1).